The following is an entry in ClinVar:

ClinVar aggregate classification (germline): Likely benign (1 of 4 stars; one submission).

Conditions:
GLDN-related disorder. Also called: GLDN-related condition.

gnomAD v4.1: 2 of 1,614,106 alleles (0.00012%); highest among the groups gnomAD compares: Non-Finnish European, 0.00017%; no homozygotes.

Submission:

PreventionGenetics, part of Exact Sciences
Classification: Likely benign for GLDN-related condition. Last evaluated: 2026-03-30. Review status: criteria provided, single submitter. Criteria: ACMG Guidelines, 2015. Collection method: clinical testing. Allele origin: germline.
Comment: This variant is classified as likely benign based on ACMG/AMP sequence variant interpretation guidelines (Richards et al. 2015 PMID: 25741868, with internal and published modifications).

NM_181789.4(GLDN):c.1398G>T (p.Thr466=)

Gene: GLDN (gliomedin; plus strand). Cytogenetic location: 15q21.2.
Variant type: single nucleotide variant.
Coding change: c.1398G>T on transcript NM_181789.4 (MANE Select); coding-DNA position 1398, G replaced by T.
Protein change: p.Thr466=; no amino-acid change (threonine 466 retained).
Molecular consequence: synonymous variant.
Genome position (GRCh38, 1-based): chr15:51,404,496, G>T. VCF-style: chr15-51404496-G-T. GRCh37 (hg19) VCF-style: chr15-51696693-G-T.
Other names: c.1026G>T, p.Thr342= (NM_001330297.2).
Identifiers: ClinVar variation 4985423 (VCV004985423.1).
Genomic context (GRCh38, chr15:51,404,496, plus strand): 5'-CATTCTTGTAGCACAACTGGATGAGAGGACATTCTCAGTGGTGCAACACGTCAATACCAC[G>T]TACCCTAAATCCAAGGCTGGCAACGCCTTCATTGCCCGAGGAATCCTCTATGTCACAGAC-3'
Protein context (NP_861454.2, residues 456-476): TFSVVQHVNT[Thr466=]YPKSKAGNAF